The following is an entry in ClinVar:

ClinVar aggregate classification (germline): Uncertain significance (1 of 4 stars; one submission).

Conditions:
Renal cell carcinoma. Identifiers: Orphanet 217071, MedGen C0007134, MeSH D002292, MONDO:0005086, HP:0005584.

Submission:

Labcorp Genetics (formerly Invitae), Labcorp
Classification: Uncertain significance for Renal cell carcinoma. Last evaluated: 2025-12-15. Review status: criteria provided, single submitter. Criteria: Invitae Variant Classification Sherloc (09022015). Collection method: clinical testing. Allele origin: germline.
Comment: This sequence change replaces glutamic acid, which is acidic and polar, with valine, which is neutral and non-polar, at codon 395 of the MET protein (p.Glu395Val). This variant is not present in population databases (gnomAD no frequency). This variant has not been reported in the literature in individuals affected with MET-related conditions. An algorithm developed to predict the effect of missense changes on protein structure and function (PolyPhen-2) suggests that this variant is likely to be tolerated. In summary, the available evidence is currently insufficient to determine the role of this variant in disease. Therefore, it has been classified as a Variant of Uncertain Significance.

NM_000245.4(MET):c.1184A>T (p.Glu395Val)

Gene: MET (MET proto-oncogene, receptor tyrosine kinase; plus strand). Cytogenetic location: 7q31.2.
Variant type: single nucleotide variant.
Coding change: c.1184A>T on transcript NM_000245.4 (MANE Select); coding-DNA position 1184, A replaced by T.
Protein change: p.Glu395Val; replaces glutamic acid 395 with valine.
Molecular consequence: missense variant. On other transcripts: intron variant (1).
Genome position (GRCh38, 1-based): chr7:116,700,268, A>T. VCF-style: chr7-116700268-A-T. GRCh37 (hg19) VCF-style: chr7-116340322-A-T.
Other names: c.1184A>T, p.Glu395Val (NM_001127500.3, NM_001324401.3); c.-91+27691A>T (NM_001324402.2); short protein forms E395V.
Identifiers: ClinVar variation 4733127 (VCV004733127.1).